The following is an entry in ClinVar:

NM_006415.4(SPTLC1):c.655del (p.Arg219fs)

Gene: SPTLC1 (serine palmitoyltransferase long chain base subunit 1; minus strand). Cytogenetic location: 9q22.31.
Variant type: Deletion.
Coding change: c.655del on transcript NM_006415.4 (MANE Select); coding-DNA position 655, one base deleted (C; older notation c.655delC).
Protein change: p.Arg219fs; shifts the reading frame from arginine 219.
Molecular consequence: frameshift variant.
Genome position (GRCh38, 1-based): chr9:92,059,214, G deleted on the plus strand (C on the coding strand, the reverse complement: SPTLC1 is on the minus strand). VCF-style (leftmost placement, unchanged base first): chr9-92059213-CG-C. GRCh37 (hg19) VCF-style: chr9-94821495-CG-C.
Other names: c.655del, p.Arg219fs (NM_001281303.2); c.289del, p.Arg97fs (NM_001368272.1); c.190del, p.Arg64fs (NM_001368273.1); short protein forms R64fs, R97fs, R219fs.
Identifiers: ClinVar variation 2724164 (VCV002724164.3), dbSNP rs1834002518, ClinGen allele CA1126758940.

ClinVar aggregate classification (germline): Uncertain significance (1 of 4 stars; one submission).

Conditions:
Hereditary sensory and autonomic neuropathy type 1 (HSAN1). Also called: HSAN 1; HSN Type I; Hereditary Sensory Neuropathy Type I. Identifiers: Orphanet 36386, MedGen C0020071, MONDO:0018213.

Allele frequency attached by ClinVar (database versions not stated): gnomAD 0.00001; gnomAD exomes below 0.00001; TOPMed below 0.00001.

Submission:

Labcorp Genetics (formerly Invitae), Labcorp
Classification: Uncertain significance for Hereditary sensory and autonomic neuropathy type 1. Last evaluated: 2023-03-15. Review status: criteria provided, single submitter. Criteria: Invitae Variant Classification Sherloc (09022015). Collection method: clinical testing. Allele origin: germline.
Comment: In summary, the available evidence is currently insufficient to determine the role of this variant in disease. Therefore, it has been classified as a Variant of Uncertain Significance. This variant has not been reported in the literature in individuals affected with SPTLC1-related conditions. This variant is not present in population databases (gnomAD no frequency). This sequence change creates a premature translational stop signal (p.Arg219Aspfs*3) in the SPTLC1 gene. It is expected to result in an absent or disrupted protein product. However, the current clinical and genetic evidence is not sufficient to establish whether loss-of-function variants in SPTLC1 cause disease.